The following is an entry in ClinVar:

ClinVar aggregate classification (germline): Benign (1 of 4 stars; one submission).

Allele frequency attached by ClinVar (database versions not stated): gnomAD exomes 0.25869; 1000 Genomes Project 0.26018; 1000 Genomes Project 30x 0.26530; gnomAD 0.27630 and 0.27922; TOPMed 0.27957.
gnomAD v4.1: 158,159 of 599,988 alleles (26%); highest among the groups gnomAD compares: East Asian, 33%; 21,448 homozygotes.

Submission:

GeneDx
Classification: Benign. Last evaluated: 2018-06-15. Review status: criteria provided, single submitter. Criteria: GeneDx Variant Classification (06012015). Collection method: clinical testing. Allele origin: germline. Affected: yes.
Comment: This variant is considered likely benign or benign based on one or more of the following criteria: it is a conservative change, it occurs at a poorly conserved position in the protein, it is predicted to be benign by multiple in silico algorithms, and/or has population frequency not consistent with disease.

NM_001105206.3(LAMA4):c.2056+196G>A

Gene: LAMA4 (laminin subunit alpha 4; minus strand). Cytogenetic location: 6q21.
Variant type: single nucleotide variant.
Coding change: c.2056+196G>A on transcript NM_001105206.3 (MANE Select); 196 bases into the intron after coding-DNA position 2056, G replaced by A.
Molecular consequence: intron variant.
Genome position (GRCh38, 1-based): chr6:112,154,655, C>T on the plus strand (G>A on the coding strand, the complement: LAMA4 is on the minus strand). VCF-style: chr6-112154655-C-T. GRCh37 (hg19) VCF-style: chr6-112475857-C-T.
Other names: c.2035+196G>A (NM_002290.5, NM_001105207.3).
Identifiers: ClinVar variation 673011 (VCV000673011.1), dbSNP rs34807218, ClinGen allele CA15440913.